The following is an entry in ClinVar:

ClinVar aggregate classification (germline): Benign. Review status: criteria provided, single submitter (1 of 4 stars). 6 submissions from 1 submitter: Benign (6). Last evaluated 2018-01-13.

Conditions:
Anophthalmia-microphthalmia syndrome. Also called: Anophthalmia/Microphthalmia; Anophthalmia - microphthalmia. Identifiers: Orphanet 98555, MedGen C5680330, MONDO:0020147.
11p partial monosomy syndrome (WAGR). Also called: WAGR Spectrum Disorder; WAGR syndrome; WAGR Complex; CHROMOSOME 11p13 DELETION SYNDROME. Identifiers: Orphanet 893, MedGen C0206115, MONDO:0008681, OMIM 194072.
Autosomal dominant keratitis. Also called: Keratitis, hereditary. Identifiers: Orphanet 2334, MedGen C1835698, MONDO:0007848, OMIM 148190.
Foveal hypoplasia 1. Also called: FOVEAL HYPOPLASIA 1 WITH OR WITHOUT ANTERIOR SEGMENT ANOMALIES AND/OR CATARACT; FOVEAL HYPOPLASIA 1 WITH ANTERIOR SEGMENT ANOMALIES. Identifiers: Orphanet 2253, MedGen C3805604, MONDO:0007628, OMIM 136520.
Aniridia 1 (AN1). Identifiers: Orphanet 250923, MedGen C0344542, MONDO:0024507, OMIM 106210.
carboxymethyl-dextran-A2-gadolinium-DOTA.

Allele frequency attached by ClinVar (database versions not stated): gnomAD 0.00701 and 0.00668; 1000 Genomes Project 30x 0.00890; gnomAD exomes 0.00124; 1000 Genomes Project 0.00779; TOPMed 0.00746.
gnomAD v4.1: 1,106 of 230,852 alleles (0.48%); highest among the groups gnomAD compares: African/African-American, 2.3%; 15 homozygotes.

Submissions (6):

Illumina Laboratory Services, Illumina
Classification: Benign for Autosomal dominant keratitis. Last evaluated: 2018-01-13. Review status: criteria provided, single submitter. Criteria: ICSL Variant Classification Criteria 13 December 2019. Collection method: clinical testing. Allele origin: germline.
Comment: This variant was observed in the ICSL laboratory as part of a predisposition screen in an ostensibly healthy population. It had not been previously curated by ICSL or reported in the Human Gene Mutation Database (HGMD: prior to June 1st, 2018), and was therefore a candidate for classification through an automated scoring system. Utilizing variant allele frequency, disease prevalence and penetrance estimates, and inheritance mode, an automated score was calculated to assess if this variant is too frequent to cause the disease. Based on the score and internal cut-off values, a variant classified as benign is not then subjected to further curation. The score for this variant resulted in a classification of benign for this disease.

Illumina Laboratory Services, Illumina
Classification: Benign for Anophthalmia-microphthalmia syndrome. Last evaluated: 2018-01-13. Review status: criteria provided, single submitter. Criteria: ICSL Variant Classification Criteria 13 December 2019. Collection method: clinical testing. Allele origin: germline.
Comment: the same text as in the submission from Illumina Laboratory Services, Illumina above.

Illumina Laboratory Services, Illumina
Classification: Benign for Aniridia 1. Last evaluated: 2018-01-13. Review status: criteria provided, single submitter. Criteria: ICSL Variant Classification Criteria 13 December 2019. Collection method: clinical testing. Allele origin: germline.
Comment: the same text as in the submission from Illumina Laboratory Services, Illumina above.

Illumina Laboratory Services, Illumina
Classification: Benign for Wilms tumor, aniridia, genitourinary anomalies, and mental retardation syndrome. Last evaluated: 2018-01-13. Review status: criteria provided, single submitter. Criteria: ICSL Variant Classification Criteria 13 December 2019. Collection method: clinical testing. Allele origin: germline.
Comment: the same text as in the submission from Illumina Laboratory Services, Illumina above.

Illumina Laboratory Services, Illumina
Classification: Benign for Foveal hypoplasia 1. Last evaluated: 2018-01-13. Review status: criteria provided, single submitter. Criteria: ICSL Variant Classification Criteria 13 December 2019. Collection method: clinical testing. Allele origin: germline.
Comment: the same text as in the submission from Illumina Laboratory Services, Illumina above.

Illumina Laboratory Services, Illumina
Classification: Benign for carboxymethyl-dextran-A2-gadolinium-DOTA. Last evaluated: 2018-01-13. Review status: criteria provided, single submitter. Criteria: ICSL Variant Classification Criteria 13 December 2019. Collection method: clinical testing. Allele origin: germline.
Comment: the same text as in the submission from Illumina Laboratory Services, Illumina above.

NM_000280.4(PAX6):c.*2238T>G

Genes: ELP4 (elongator acetyltransferase complex subunit 4; plus strand), PAX6 (paired box 6; minus strand). Cytogenetic location: 11p13.
Variant type: single nucleotide variant.
Coding change: c.*2238T>G on transcript NM_000280.4; 2238 bases downstream of the stop codon, T replaced by G.
Molecular consequence: 3 prime UTR variant (on NM_019040.5).
Genome position (GRCh38, 1-based): chr11:31,787,696, A>C on the plus strand (T>G on the coding strand, the complement: PAX6 is on the minus strand). VCF-style: chr11-31787696-A-C. GRCh37 (hg19) VCF-style: chr11-31809244-A-C.
Other names: c.*4158A>C (NM_001288725.2); c.*4267A>C (NM_001288726.2); c.*4172A>C (NM_019040.5).
Identifiers: ClinVar variation 304333 (VCV000304333.8), dbSNP rs73477658, ClinGen allele CA10634594.